The following is an entry in ClinVar:

ClinVar aggregate classification (germline): Uncertain significance. Review status: criteria provided, multiple submitters, no conflicts (2 of 4 stars). 2 submissions from 2 submitters: Uncertain significance (2). Last evaluated 2026-01-09.

Conditions:
Mowat-Wilson syndrome (MOWS). Also called: Classic Mowat-Wilson Syndrome. Identifiers: Orphanet 2152, MedGen C1856113, MONDO:0009341, OMIM 235730.

Allele frequency attached by ClinVar (database versions not stated): TOPMed below 0.00001; gnomAD exomes 0.00001.
gnomAD v4.1: 12 of 1,614,156 alleles (0.00074%); highest among the groups gnomAD compares: Non-Finnish European, 0.001%; no homozygotes.

Submissions (2):

Labcorp Genetics (formerly Invitae), Labcorp
Classification: Uncertain significance for Mowat-Wilson syndrome. Last evaluated: 2026-01-09. Review status: criteria provided, single submitter. Criteria: Invitae Variant Classification Sherloc (09022015). Collection method: clinical testing. Allele origin: germline.
Comment: This sequence change replaces serine, which is neutral and polar, with phenylalanine, which is neutral and non-polar, at codon 242 of the ZEB2 protein (p.Ser242Phe). This variant is not present in population databases (gnomAD no frequency). This variant has not been reported in the literature in individuals affected with ZEB2-related conditions. ClinVar contains an entry for this variant (Variation ID: 1497876). Invitae Evidence Modeling of protein sequence and biophysical properties (such as structural, functional, and spatial information, amino acid conservation, physicochemical variation, residue mobility, and thermodynamic stability) indicates that this missense variant is expected to disrupt ZEB2 protein function with a positive predictive value of 80%. In summary, the available evidence is currently insufficient to determine the role of this variant in disease. Therefore, it has been classified as a Variant of Uncertain Significance.

GeneDx
Classification: Uncertain significance. Last evaluated: 2025-06-12. Review status: criteria provided, single submitter. Criteria: GeneDx Variant Classification Process June 2021. Collection method: clinical testing. Allele origin: germline. Affected: yes.
Comment: Not observed at significant frequency in large population cohorts (gnomAD); In silico analysis supports that this missense variant has a deleterious effect on protein structure/function; Has not been previously published as pathogenic or benign to our knowledge; This variant is associated with the following publications: (PMID: 16053902)

NM_014795.4(ZEB2):c.725C>T (p.Ser242Phe)

Gene: ZEB2 (zinc finger E-box binding homeobox 2; minus strand). Cytogenetic location: 2q22.3.
Variant type: single nucleotide variant.
Coding change: c.725C>T on transcript NM_014795.4 (MANE Select); coding-DNA position 725, C replaced by T.
Protein change: p.Ser242Phe; replaces serine 242 with phenylalanine.
Molecular consequence: missense variant.
Genome position (GRCh38, 1-based): chr2:144,403,998, G>A on the plus strand (C>T on the coding strand, the complement: ZEB2 is on the minus strand). VCF-style: chr2-144403998-G-A. GRCh37 (hg19) VCF-style: chr2-145161565-G-A.
Other names: c.653C>T, p.Ser218Phe (NM_001171653.2); c.725C>T (NM_014795.3); short protein forms S218F, S242F.
Identifiers: ClinVar variation 1497876 (VCV001497876.9), dbSNP rs1484531426, ClinGen allele CA348714730.